The following is an entry in ClinVar:

NM_002485.5(NBN):c.2239A>G (p.Asn747Asp)

Gene: NBN (nibrin; minus strand). Cytogenetic location: 8q21.3.
Variant type: single nucleotide variant.
Coding change: c.2239A>G on transcript NM_002485.5 (MANE Select); coding-DNA position 2239, A replaced by G.
Protein change: p.Asn747Asp; replaces asparagine 747 with aspartic acid.
Molecular consequence: missense variant.
Genome position (GRCh38, 1-based): chr8:89,935,608, T>C on the plus strand (A>G on the coding strand, the complement: NBN is on the minus strand). VCF-style: chr8-89935608-T-C. GRCh37 (hg19) VCF-style: chr8-90947836-T-C.
Other names: c.1993A>G, p.Asn665Asp (NM_001024688.3); short protein forms N665D, N747D.
Identifiers: ClinVar variation 2113242 (VCV002113242.4), dbSNP rs2488163471, ClinGen allele CA371674715.

ClinVar aggregate classification (germline): Uncertain significance (1 of 4 stars; one submission).

Conditions:
Microcephaly, normal intelligence and immunodeficiency (NBS). Also called: Nijmegen breakage syndrome; Microcephaly with normal intelligence immunodeficiency and lymphoreticular malignancies; Nonsyndromal microcephaly autosomal recessive with normal intelligence; Seemanova syndrome 2; Immunodeficiency, microcephaly with normal intelligence; Ataxia telangiectasia variant V1. Identifiers: Orphanet 647, MedGen C0398791, MONDO:0009623, OMIM 251260.

Submission:

Labcorp Genetics (formerly Invitae), Labcorp
Classification: Uncertain significance for Microcephaly, normal intelligence and immunodeficiency. Last evaluated: 2022-03-17. Review status: criteria provided, single submitter. Criteria: Invitae Variant Classification Sherloc (09022015). Collection method: clinical testing. Allele origin: germline.
Comment: This variant has not been reported in the literature in individuals affected with NBN-related conditions. Algorithms developed to predict the effect of missense changes on protein structure and function (SIFT, PolyPhen-2, Align-GVGD) all suggest that this variant is likely to be tolerated. In summary, the available evidence is currently insufficient to determine the role of this variant in disease. Therefore, it has been classified as a Variant of Uncertain Significance. This sequence change replaces asparagine, which is neutral and polar, with aspartic acid, which is acidic and polar, at codon 747 of the NBN protein (p.Asn747Asp). This variant is not present in population databases (gnomAD no frequency).